The following is an entry in ClinVar:

ClinVar aggregate classification (germline): Uncertain significance (1 of 4 stars; one submission).

Conditions:
SYNE4-related disorder. Also called: SYNE4-related condition.

gnomAD v4.1: 3 of 1,611,780 alleles (0.00019%); highest among the groups gnomAD compares: Middle Eastern, 0.017%; no homozygotes.

Submission:

PreventionGenetics, part of Exact Sciences
Classification: Uncertain significance for SYNE4-related condition. Last evaluated: 2026-02-19. Review status: criteria provided, single submitter. Criteria: ACMG Guidelines, 2015. Collection method: clinical testing. Allele origin: germline.
Comment: The SYNE4 c.796G>A variant is predicted to result in the amino acid substitution p.Ala266Thr. To our knowledge, this variant has not been reported in the literature. This variant is reported in 0.0057% of alleles in individuals of East Asian descent in gnomAD. At this time, the clinical significance of this variant is uncertain due to the absence of conclusive functional and genetic evidence.

NM_001039876.3(SYNE4):c.796G>A (p.Ala266Thr)

Gene: SYNE4 (spectrin repeat containing nuclear envelope family member 4; minus strand). Cytogenetic location: 19q13.12.
Variant type: single nucleotide variant.
Coding change: c.796G>A on transcript NM_001039876.3 (MANE Select); coding-DNA position 796, G replaced by A.
Protein change: p.Ala266Thr; replaces alanine 266 with threonine.
Molecular consequence: missense variant.
Genome position (GRCh38, 1-based): chr19:36,006,494, C>T on the plus strand (G>A on the coding strand, the complement: SYNE4 is on the minus strand). VCF-style: chr19-36006494-C-T. GRCh37 (hg19) VCF-style: chr19-36497396-C-T.
Other names: c.457G>A, p.Ala153Thr (NM_001297735.3); short protein forms A153T, A266T.
Identifiers: ClinVar variation 4986374 (VCV004986374.1).